The following is an entry in ClinVar:

ClinVar aggregate classification (germline): Uncertain significance (1 of 4 stars; one submission).

Submission:

Labcorp Genetics (formerly Invitae), Labcorp
Classification: Uncertain significance. Last evaluated: 2022-01-16. Review status: criteria provided, single submitter. Criteria: Invitae Variant Classification Sherloc (09022015). Collection method: clinical testing. Allele origin: germline.
Comment: In summary, the available evidence is currently insufficient to determine the role of this variant in disease. Therefore, it has been classified as a Variant of Uncertain Significance. Algorithms developed to predict the effect of missense changes on protein structure and function are either unavailable or do not agree on the potential impact of this missense change (SIFT: "Tolerated"; PolyPhen-2: "Possibly Damaging"; Align-GVGD: "Class C0"). This variant has not been reported in the literature in individuals affected with TUBGCP6-related conditions. This variant is not present in population databases (gnomAD no frequency). This sequence change replaces threonine, which is neutral and polar, with lysine, which is basic and polar, at codon 1479 of the TUBGCP6 protein (p.Thr1479Lys).

NM_020461.4(TUBGCP6):c.4436C>A (p.Thr1479Lys)

Gene: TUBGCP6 (tubulin gamma complex component 6; minus strand). Cytogenetic location: 22q13.33.
Variant type: single nucleotide variant.
Coding change: c.4436C>A on transcript NM_020461.4 (MANE Select); coding-DNA position 4436, C replaced by A.
Protein change: p.Thr1479Lys; replaces threonine 1479 with lysine.
Molecular consequence: missense variant.
Genome position (GRCh38, 1-based): chr22:50,219,336, G>T on the plus strand (C>A on the coding strand, the complement: TUBGCP6 is on the minus strand). VCF-style: chr22-50219336-G-T. GRCh37 (hg19) VCF-style: chr22-50657765-G-T.
Other names: short protein forms T1479K.
Identifiers: ClinVar variation 2085752 (VCV002085752.4), dbSNP rs747283271, ClinGen allele CA412171528.